The following is an entry in ClinVar:

ClinVar aggregate classification (germline): Pathogenic (1 of 4 stars; one submission).

Conditions:
Early-infantile DEE. Also called: Ohtahara syndrome; Early infantile epileptic encephalopathy with suppression bursts; Early infantile epileptic encephalopathy. Identifiers: Orphanet 1934, MedGen C0393706, MONDO:0800491.

Submission:

Labcorp Genetics (formerly Invitae), Labcorp
Classification: Pathogenic for Early-infantile DEE. Last evaluated: 2023-04-17. Review status: criteria provided, single submitter. Criteria: Invitae Variant Classification Sherloc (09022015). Collection method: clinical testing. Allele origin: germline.
Comment: For these reasons, this variant has been classified as Pathogenic. Algorithms developed to predict the effect of sequence changes on RNA splicing suggest that this variant may create or strengthen a splice site. This variant has not been reported in the literature in individuals affected with SCN1A-related conditions. This variant is not present in population databases (gnomAD no frequency). This sequence change creates a premature translational stop signal (p.Glu726*) in the SCN1A gene. It is expected to result in an absent or disrupted protein product. Loss-of-function variants in SCN1A are known to be pathogenic (PMID: 17347258, 18930999).

Literature cited by the submitters: PubMed 17347258; PubMed 18930999.

NM_001165963.4(SCN1A):c.2176G>T (p.Glu726Ter)

Gene: SCN1A (sodium voltage-gated channel alpha subunit 1; minus strand). Cytogenetic location: 2q24.3.
Variant type: single nucleotide variant.
Coding change: c.2176G>T on transcript NM_001165963.4 (MANE Select); coding-DNA position 2176, G replaced by T.
Protein change: p.Glu726Ter; replaces glutamic acid 726 with a stop codon.
Molecular consequence: nonsense. On other transcripts: 5 prime UTR variant (1), non-coding transcript variant (1).
Genome position (GRCh38, 1-based): chr2:166,042,292, C>A on the plus strand (G>T on the coding strand, the complement: SCN1A is on the minus strand). VCF-style: chr2-166042292-C-A. GRCh37 (hg19) VCF-style: chr2-166898802-C-A.
Other names: c.2092G>T, p.Glu698Ter (NM_001165964.3, NM_001353957.2, NM_001353958.2); c.2089G>T, p.Glu697Ter (NM_001353960.2); c.-283G>T (NM_001353961.2); c.2143G>T, p.Glu715Ter (NM_006920.6, NM_001353949.2, NM_001353950.2 and 2 more transcripts); c.2176G>T, p.Glu726Ter (NM_001202435.3, NM_001353948.2); c.2140G>T, p.Glu714Ter (NM_001353954.2, NM_001353955.2); short protein forms E697*, E698*, E714*, E715*, E726*.
Identifiers: ClinVar variation 2856898 (VCV002856898.3), dbSNP rs1553543824, ClinGen allele CA349065526.
Genomic context (GRCh38, chr2:166,042,292, plus strand): 5'-AAATGAGACAATATAAGTTTGGTGAAAATAATTGAAACGAAAATAGAATTTGTTACCAAC[C>A]TTCTACTGTATTTGTTAGAATGCTGGCTATACTCATTGCTCGTTGCCTTTGGGAAGGATC-3'